The following is an entry in ClinVar:

NM_001379500.1(COL18A1):c.107-12332T>C

Gene: COL18A1 (collagen type XVIII alpha 1 chain; plus strand). Cytogenetic location: 21q22.3.
Variant type: single nucleotide variant.
Coding change: c.107-12332T>C on transcript NM_001379500.1 (MANE Select); 12332 bases into the intron before coding-DNA position 107, T replaced by C.
Molecular consequence: intron variant. On other transcripts: missense variant (2).
Genome position (GRCh38, 1-based): chr21:45,455,910, T>C. VCF-style: chr21-45455910-T-C. GRCh37 (hg19) VCF-style: chr21-46875824-T-C.
Other names: c.380T>C, p.Leu127Pro (NM_030582.4, NM_130444.3); short protein forms L127P.
Identifiers: ClinVar variation 1517822 (VCV001517822.4), dbSNP rs979909932, ClinGen allele CA321894848.

ClinVar aggregate classification (germline): Uncertain significance (1 of 4 stars; one submission).

Allele frequency attached by ClinVar (database versions not stated): gnomAD exomes below 0.00001; TOPMed 0.00001.
gnomAD v4.1: 1 of 1,613,080 alleles (0.000062%); highest among the groups gnomAD compares: Non-Finnish European, 0.000085%; no homozygotes.

Submission:

Labcorp Genetics (formerly Invitae), Labcorp
Classification: Uncertain significance. Last evaluated: 2023-10-13. Review status: criteria provided, single submitter. Criteria: Invitae Variant Classification Sherloc (09022015). Collection method: clinical testing. Allele origin: germline.
Comment: The COL18A1 gene has multiple clinically relevant transcripts. This variant occurs in alternate transcript NM_030582.4, and corresponds to NM_130445.2:c.107-12332T>C in the primary transcript. This sequence change replaces leucine, which is neutral and non-polar, with proline, which is neutral and non-polar, at codon 127 of the COL18A1 protein (p.Leu127Pro). This variant is not present in population databases (gnomAD no frequency). This variant has not been reported in the literature in individuals affected with COL18A1-related conditions. ClinVar contains an entry for this variant (Variation ID: 1517822). Experimental studies and prediction algorithms are not available or were not evaluated, and the functional significance of this variant is currently unknown. Algorithms developed to predict the effect of sequence changes on RNA splicing suggest that this variant is not likely to affect RNA splicing. In summary, the available evidence is currently insufficient to determine the role of this variant in disease. Therefore, it has been classified as a Variant of Uncertain Significance.